The following is an entry in ClinVar:

NM_002427.4(MMP13):c.949G>A (p.Asp317Asn)

Gene: MMP13 (matrix metallopeptidase 13; minus strand). Cytogenetic location: 11q22.2.
Variant type: single nucleotide variant.
Coding change: c.949G>A on transcript NM_002427.4 (MANE Select); coding-DNA position 949, G replaced by A.
Protein change: p.Asp317Asn; replaces aspartic acid 317 with asparagine.
Molecular consequence: missense variant.
Genome position (GRCh38, 1-based): chr11:102,949,127, C>T on the plus strand (G>A on the coding strand, the complement: MMP13 is on the minus strand). VCF-style: chr11-102949127-C-T. GRCh37 (hg19) VCF-style: chr11-102819856-C-T.
Other names: short protein forms D317N.
Identifiers: ClinVar variation 3618106 (VCV003618106.2).
Genomic context (GRCh38, chr11:102,949,127, plus strand): 5'-CAGCATCAATACGGTTGGGAAGTTCTGGCCAAAATGATTTCGTTAAAAACAGCTCCGCAT[C>T]AACCTGCTGAGGATGCAGGCGCCAGAAGAATCTAACACAAAAGTAAAATGGAGTTTTCTG-3'
Protein context (NP_002418.1, residues 307-327): FFWRLHPQQV[Asp317Asn]AELFLTKSFW

ClinVar aggregate classification (germline): Uncertain significance (1 of 4 stars; one submission).

Submission:

Labcorp Genetics (formerly Invitae), Labcorp
Classification: Uncertain significance. Last evaluated: 2024-11-25. Review status: criteria provided, single submitter. Criteria: Invitae Variant Classification Sherloc (09022015). Collection method: clinical testing. Allele origin: germline.
Comment: This sequence change replaces aspartic acid, which is acidic and polar, with asparagine, which is neutral and polar, at codon 317 of the MMP13 protein (p.Asp317Asn). This variant is present in population databases (rs781880258, gnomAD 0.02%). This variant has not been reported in the literature in individuals affected with MMP13-related conditions. Invitae Evidence Modeling of protein sequence and biophysical properties (such as structural, functional, and spatial information, amino acid conservation, physicochemical variation, residue mobility, and thermodynamic stability) indicates that this missense variant is not expected to disrupt MMP13 protein function with a negative predictive value of 80%. In summary, the available evidence is currently insufficient to determine the role of this variant in disease. Therefore, it has been classified as a Variant of Uncertain Significance.